The following is an entry in ClinVar:

NM_015030.2(FRYL):c.6040G>A (p.Asp2014Asn)

Gene: FRYL (FRY like transcription coactivator; minus strand). Cytogenetic location: 4p11.
Variant type: single nucleotide variant.
Coding change: c.6040G>A on transcript NM_015030.2 (MANE Select); coding-DNA position 6040, G replaced by A.
Protein change: p.Asp2014Asn; replaces aspartic acid 2014 with asparagine.
Molecular consequence: missense variant.
Genome position (GRCh38, 1-based): chr4:48,540,608, C>T on the plus strand (G>A on the coding strand, the complement: FRYL is on the minus strand). VCF-style: chr4-48540608-C-T. GRCh37 (hg19) VCF-style: chr4-48542625-C-T.
Other names: short protein forms D2014N.
Identifiers: ClinVar variation 5018642 (VCV005018642.1).

ClinVar aggregate classification (germline): Uncertain significance (1 of 4 stars; one submission).

Conditions:
Pan-Chung-Bellen syndrome. Identifiers: MedGen C5975547, MONDO:0975953, OMIM 621049.

Submission:

Juno Genomics, Hangzhou Juno Genomics, Inc
Classification: Uncertain significance for Pan-Chung-Bellen syndrome. Review status: criteria provided, single submitter. Criteria: ACMG Guidelines, 2015. Collection method: clinical testing. Allele origin: germline. Affected: yes.
Comment: Absent from controls (or at extremely low frequency if recessive) in Genome Aggregation Database.;Missense variant in a gene that has a low rate of benign missense variation.;Patient's phenotype or family history is highly specific for a disease with a single genetic etiology.